The following is an entry in ClinVar:

ClinVar aggregate classification (germline): Uncertain significance (1 of 4 stars; one submission).

Conditions:
KBG syndrome (KBGS). Also called: ANKRD11-Related KBG Syndrome. Identifiers: Orphanet 2332, MedGen C0220687, MONDO:0007846, OMIM 148050.

Submission:

Victorian Clinical Genetics Services, Murdoch Childrens Research Institute
Classification: Uncertain significance for KBG syndrome. Last evaluated: 2020-05-04. Review status: criteria provided, single submitter. Criteria: ACMG Guidelines, 2015. Collection method: clinical testing. Allele origin: germline. Inheritance: Autosomal dominant inheritance.
Comment: Based on the classification scheme VCGS_Germline_v1.1.1, this variant is classified as VUS – 3C. Following criteria are met: 0102 - Loss-of-function is a known mechanism of disease for this gene. (N) 0107 - This gene is known to be associated with autosomal dominant disease. (N) 0212 - Non-canonical splice variant without proven consequence on splicing (no functional evidence available) (intron 6 of 12). (P) 0251 - Variant is heterozygous. (N) 0301 - Variant is absent from gnomAD. (P) 0309 - An alternative amino acid change at the same position has been observed in gnomAD (1 Heterozygote, 0 Homozygote). (N) 0506 - Abnormal splicing is not predicted and nucleotide is poorly conserved. (B) 0705 - No comparable variants have previous evidence for pathogenicity. (N) 0807 - Variant has not previously been reported in a clinical context. (N) 0905 - No segregation evidence has been identified for this variant. (N) 1007 - No published functional evidence has been identified for this variant. (N) 1208 - Inheritance information for this variant is not currently available. (N) Legend: (P) - Pathogenic, (N) - Neutral, (B) - Benign

NM_013275.6(ANKRD11):c.602-4C>T

Gene: ANKRD11 (ankyrin repeat domain 11; minus strand). Cytogenetic location: 16q24.3.
Variant type: single nucleotide variant.
Coding change: c.602-4C>T on transcript NM_013275.6 (MANE Select); 4 bases into the intron before coding-DNA position 602, C replaced by T.
Molecular consequence: intron variant.
Genome position (GRCh38, 1-based): chr16:89,288,674, G>A on the plus strand (C>T on the coding strand, the complement: ANKRD11 is on the minus strand). VCF-style: chr16-89288674-G-A. GRCh37 (hg19) VCF-style: chr16-89355082-G-A.
Other names: c.602-4C>T (NM_001256183.2, NM_001256182.2).
Identifiers: ClinVar variation 1806038 (VCV001806038.1), dbSNP rs747377912, ClinGen allele CA923726085.